The following is an entry in ClinVar:

ClinVar aggregate classification (germline): Conflicting classifications of pathogenicity. Review status: criteria provided, conflicting classifications (1 of 4 stars). 7 submissions from 7 submitters: Uncertain significance (4); Likely benign (2). 1 of the submissions does not count toward it. Last evaluated 2024-10-16.

Conditions:
Inborn genetic diseases. Identifiers: MedGen C0950123, MeSH D030342.
Intellectual developmental disorder, autosomal recessive 3. Also called: Intellectual disability, autosomal recessive 3. Identifiers: Orphanet 88616, MedGen C1838023, MONDO:0012037, OMIM 608443.
Intellectual disability. Also called: Intellectual functioning disability; intellectual disabilities; Intellectual developmental disorder. Identifiers: MedGen C3714756, MeSH D008607, MONDO:0001071, HP:0001249.

Allele frequency attached by ClinVar (database versions not stated): 1000 Genomes Project 30x 0.00047; ESP Exome Variant Server 0.00058; 1000 Genomes Project 0.00060; gnomAD 0.00064; TOPMed 0.00070.
gnomAD v4.1: 1,595 of 1,610,668 alleles (0.099%); highest among the groups gnomAD compares: Middle Eastern, 0.55%; no homozygotes.

Submissions (7):

Blueprint Genetics
Classification: Uncertain significance. Last evaluated: 2024-10-16. Review status: criteria provided, single submitter. Criteria: ACMG Guidelines, 2015. Collection method: clinical testing. Allele origin: germline.

Ambry Genetics
Classification: Likely benign for Inborn genetic diseases. Last evaluated: 2024-03-12. Review status: criteria provided, single submitter. Criteria: Ambry Variant Classification Scheme 2023. Collection method: clinical testing. Allele origin: germline.

CeGaT Center for Human Genetics Tuebingen
Classification: Likely benign. Last evaluated: 2024-02-01. Review status: criteria provided, single submitter. Criteria: CeGaT Center For Human Genetics Tuebingen Variant Classification Criteria Version 2. Collection method: clinical testing. Allele origin: germline. Affected: yes. Observed: 2 variant alleles.
Comment: CC2D1A: BP4

Revvity Omics, Revvity
Classification: Uncertain significance for Intellectual developmental disorder, autosomal recessive 3. Last evaluated: 2021-06-28. Review status: criteria provided, single submitter. Criteria: ACMG Guidelines, 2015. Collection method: clinical testing. Allele origin: germline.

GeneDx
Classification: Uncertain significance. Last evaluated: 2020-08-07. Review status: criteria provided, single submitter. Criteria: GeneDx Variant Classification Process June 2021. Collection method: clinical testing. Allele origin: germline. Affected: yes.
Comment: In silico analysis, which includes protein predictors and evolutionary conservation, supports a deleterious effect; Has not been previously published as pathogenic or benign to our knowledge

Genetic Services Laboratory, University of Chicago
Classification: Uncertain significance. Last evaluated: 2015-05-27. Review status: criteria provided, single submitter. Criteria: ACMG Guidelines, 2015. Collection method: clinical testing. Allele origin: germline.

Centre de Biologie Pathologie Génétique, Centre Hospitalier Universitaire de Lille
Classification: Uncertain significance for Intellectual disability. Last evaluated: 2019-01-01. Review status: no assertion criteria provided. Collection method: clinical testing. Allele origin: unknown. Affected: yes. Not counted in ClinVar's aggregate classification.

NM_017721.5(CC2D1A):c.1448C>A (p.Pro483His)

Gene: CC2D1A (coiled-coil and C2 domain containing 1A; plus strand). Cytogenetic location: 19p13.12.
Variant type: single nucleotide variant.
Coding change: c.1448C>A on transcript NM_017721.5 (MANE Select); coding-DNA position 1448, C replaced by A.
Protein change: p.Pro483His; replaces proline 483 with histidine.
Molecular consequence: missense variant.
Genome position (GRCh38, 1-based): chr19:13,920,648, C>A. VCF-style: chr19-13920648-C-A. GRCh37 (hg19) VCF-style: chr19-14031461-C-A.
Other names: short protein forms P483H.
Identifiers: ClinVar variation 210594 (VCV000210594.40), dbSNP rs201884654, ClinGen allele CA209983.